The following is an entry in ClinVar:

NM_000052.7(ATP7A):c.3140dup (p.Thr1048fs)

Gene: ATP7A (ATPase copper transporting alpha; plus strand). Cytogenetic location: Xq21.1.
Variant type: Duplication.
Coding change: c.3140dup on transcript NM_000052.7 (MANE Select); coding-DNA position 3140, one base duplicated (G; older notation c.3140dupG).
Protein change: p.Thr1048fs; shifts the reading frame from threonine 1048.
Molecular consequence: frameshift variant. On other transcripts: non-coding transcript variant (1).
Genome position (GRCh38, 1-based): chrX:78,031,428, G duplicated; the last of 2 consecutive G bases (chrX:78,031,427-78,031,428); duplicating either gives the same sequence. VCF-style (leftmost placement, unchanged base first): chrX-78031426-T-TG. GRCh37 (hg19) VCF-style: chrX-77286924-T-TG.
Other names: c.2906dup, p.Thr970fs (NM_001282224.2); short protein forms T1048fs, T970fs.
Identifiers: ClinVar variation 5012279 (VCV005012279.1).
Genomic context (GRCh38, chrX:78,031,426, plus strand): 5'-ATCATCAAGTCATTGTATCTTAATTTTTTTACAGGTAAAGGTAGTGGTATTTGATAAGAC[T>TG]GGAACCATTACTCACGGAACCCCAGTGGTGAATCAAGTAAAGGTTCTAACTGAAAGTAAC-3'

ClinVar aggregate classification (germline): Pathogenic (1 of 4 stars; one submission).

Conditions:
Menkes kinky-hair syndrome (MNK). Also called: Menkes Disease; Classic Menkes Disease; Copper transport disease. Identifiers: Orphanet 565, MedGen C0022716, MONDO:0010651, OMIM 309400.

Submission:

Myriad Genetics, Inc.
Classification: Pathogenic for Menkes kinky-hair syndrome. Last evaluated: 2023-09-27. Review status: criteria provided, single submitter. Criteria: Myriad Autosomal Dominant, Autosomal Recessive and X-Linked Classification Criteria (2023). Collection method: clinical testing. Allele origin: unknown.
Comment: NM_000052.5(ATP7A):c.3140dupG(T1048Nfs*17) is expected to be pathogenic in the context of ATP7A-related disorders. This variant is predicted to lead to an abnormal or absent protein product due to the creation of a premature termination codon in ATP7A, a gene where loss-of-function variants are known to be pathogenic. Please note: this variant was assessed in the context of healthy population screening.